The following is an entry in ClinVar:

ClinVar aggregate classification (germline): Pathogenic/Likely pathogenic. Review status: criteria provided, multiple submitters, no conflicts (2 of 4 stars). 8 submissions from 8 submitters: Pathogenic (4); Likely pathogenic (3). 1 of the submissions does not count toward it. Last evaluated 2025-09-28.

Conditions:
COACH syndrome 2. Identifiers: MedGen C5436837, MONDO:0030859, OMIM 619111.
Meckel syndrome, type 6. Identifiers: Orphanet 564, MedGen C2676790, MONDO:0012848, OMIM 612284.
Joubert syndrome 9 (JBTS9). Identifiers: Orphanet 2318, MedGen C2676788, MONDO:0012849, OMIM 612285.
Retinitis pigmentosa 93. Identifiers: MedGen C5676970, MONDO:0030797, OMIM 619845.
CC2D2A-related disorder. Also called: CC2D2A-related disorders; CC2D2A-related condition. Identifiers: MedGen CN239313.
Meckel-Gruber syndrome. Also called: Dysencephalia splachnocystica; DYSENCEPHALIA SPLANCHNOCYSTICA; GRUBER SYNDROME. Identifiers: Orphanet 564, MedGen C0265215, MONDO:0018921.
Joubert syndrome. Also called: Familial aplasia of the vermis; JOUBERT-BOLTSHAUSER SYNDROME. Identifiers: Orphanet 475, MedGen C5979921, MONDO:0018772.
Joubert syndrome and related disorders. Identifiers: Orphanet 140874, MedGen C5679612, MONDO:0015369.

Submissions (8):

Labcorp Genetics (formerly Invitae), Labcorp
Classification: Pathogenic for Joubert syndrome; Meckel-Gruber syndrome. Last evaluated: 2025-09-28. Review status: criteria provided, single submitter. Criteria: Invitae Variant Classification Sherloc (09022015). Collection method: clinical testing. Allele origin: germline.
Comment: This sequence change creates a premature translational stop signal (p.Leu279Cysfs*40) in the CC2D2A gene. It is expected to result in an absent or disrupted protein product. Loss-of-function variants in CC2D2A are known to be pathogenic (PMID: 19777577). This variant is not present in population databases (gnomAD no frequency). This premature translational stop signal has been observed in individual(s) with clinical features of CC2D2A-related conditions (PMID: 19777577). ClinVar contains an entry for this variant (Variation ID: 56317). For these reasons, this variant has been classified as Pathogenic.

GeneDx
Classification: Pathogenic. Last evaluated: 2025-03-05. Review status: criteria provided, single submitter. Criteria: GeneDx Variant Classification Process June 2021. Collection method: clinical testing. Allele origin: germline. Affected: yes.
Comment: Observed in the heterozygous state in a fetus with features of Meckel-Gruber syndrome; however, a second CC2D2A variant was not identified (PMID: 19777577); Frameshift variant predicted to result in protein truncation or nonsense mediated decay in a gene for which loss of function is a known mechanism of disease; Not observed at significant frequency in large population cohorts (gnomAD); This variant is associated with the following publications: (PMID: 19777577)

Myriad Genetics, Inc.
Classification: Pathogenic for Joubert syndrome and related disorders. Last evaluated: 2024-11-24. Review status: criteria provided, single submitter. Criteria: Myriad Autosomal Dominant, Autosomal Recessive and X-Linked Classification Criteria (2023). Collection method: clinical testing. Allele origin: unknown.
Comment: NM_001080522.2(CC2D2A):c.834delG(L279Cfs*40) is expected to be pathogenic in the context of CC2D2A-related disorders. This variant is predicted to lead to an abnormal or absent protein product due to the creation of a premature termination codon in CC2D2A, a gene where loss-of-function variants are known to be pathogenic. Please note: this variant was assessed in the context of healthy population screening.

Fulgent Genetics
Classification: Likely pathogenic for Meckel syndrome, type 6; Joubert syndrome 9; COACH syndrome 2; Retinitis pigmentosa 93. Last evaluated: 2024-03-27. Review status: criteria provided, single submitter. Criteria: ACMG Guidelines, 2015. Collection method: clinical testing. Allele origin: germline.

Blueprint Genetics
Classification: Likely pathogenic for CC2D2A-related disorders. Last evaluated: 2022-11-17. Review status: criteria provided, single submitter. Criteria: ACMG Guidelines, 2015. Collection method: clinical testing. Allele origin: germline. Affected: yes. Observed: 1 variant allele.

Greenwood Genetic Center Diagnostic Laboratories, Greenwood Genetic Center
Classification: Likely pathogenic for COACH syndrome 2; Joubert syndrome 9; Meckel syndrome, type 6. Last evaluated: 2021-06-27. Review status: criteria provided, single submitter. Criteria: ACMG Guidelines, 2015. Collection method: clinical testing. Allele origin: germline. Affected: yes.
Comment: PVS1, PM2

Eurofins Ntd Llc (ga)
Classification: Pathogenic. Last evaluated: 2015-11-17. Review status: criteria provided, single submitter. Criteria: EGL Classification Definitions 2015. Collection method: clinical testing. Allele origin: germline. Observed: 2 variant alleles, 2 heterozygotes.

Juha Muilu Group; Institute for Molecular Medicine Finland (FIMM)
Classification: Likely pathogenic for Meckel syndrome, type 6. Review status: no assertion criteria provided. Collection method: not provided. Allele origin: unknown. Not counted in ClinVar's aggregate classification.
Comment: FinDis database variant: This variant was not found or characterized by our laboratory, data were collected from public sources: see reference
ClinVar note: Converted during submission from probable-pathogenic to Likely pathogenic.

Literature cited by the submitters: PubMed 19777577 (cited by Labcorp Genetics (formerly Invitae), Labcorp).

NM_001378615.1(CC2D2A):c.834del (p.Leu279fs)

Genes: CC2D2A (coiled-coil and C2 domain containing 2A; plus strand), FBXL5 (F-box and leucine rich repeat protein 5; minus strand). Cytogenetic location: 4p15.32.
Variant type: Deletion.
Coding change: c.834del on transcript NM_001378615.1 (MANE Select); coding-DNA position 834, one base deleted (G; older notation c.834delG).
Protein change: p.Leu279fs; shifts the reading frame from leucine 279.
Molecular consequence: frameshift variant.
Genome position (GRCh38, 1-based): chr4:15,514,823, G deleted; the last of 2 consecutive G bases (chr4:15,514,822-15,514,823); deleting either gives the same sequence. VCF-style (leftmost placement, unchanged base first): chr4-15514821-CG-C. GRCh37 (hg19) VCF-style: chr4-15516444-CG-C.
Other names: c.834del, p.Leu279fs (NM_001080522.2); c.687del, p.Leu230fs (NM_001378617.1); c.834delG (NM_001080522.2); short protein forms L279fs, L230fs.
Identifiers: ClinVar variation 56317 (VCV000056317.14), dbSNP rs386833765, ClinGen allele CA144245.